The following is an entry in ClinVar:

ClinVar aggregate classification (germline): Uncertain significance. Review status: criteria provided, multiple submitters, no conflicts (2 of 4 stars). 2 submissions from 2 submitters: Uncertain significance (2). Last evaluated 2025-11-19.

Conditions:
Inborn genetic diseases. Identifiers: MedGen C0950123, MeSH D030342.

Allele frequency attached by ClinVar (database versions not stated): TOPMed below 0.00001; ExAC 0.00002; gnomAD exomes below 0.00001.
gnomAD v4.1: 6 of 1,614,090 alleles (0.00037%); highest among the groups gnomAD compares: Admixed American, 0.005%; no homozygotes.

Submissions (2):

Ambry Genetics
Classification: Uncertain significance for Inborn genetic diseases. Last evaluated: 2025-11-19. Review status: criteria provided, single submitter. Criteria: Ambry Variant Classification Scheme 2023. Collection method: clinical testing. Allele origin: germline.

Labcorp Genetics (formerly Invitae), Labcorp
Classification: Uncertain significance. Last evaluated: 2022-09-27. Review status: criteria provided, single submitter. Criteria: Invitae Variant Classification Sherloc (09022015). Collection method: clinical testing. Allele origin: germline.
Comment: This sequence change replaces proline, which is neutral and non-polar, with histidine, which is basic and polar, at codon 55 of the GORAB protein (p.Pro55His). This variant is present in population databases (rs760452446, gnomAD 0.009%). This variant has not been reported in the literature in individuals affected with GORAB-related conditions. Algorithms developed to predict the effect of missense changes on protein structure and function are either unavailable or do not agree on the potential impact of this missense change (SIFT: "Deleterious"; PolyPhen-2: "Benign"; Align-GVGD: "Class C0"). In summary, the available evidence is currently insufficient to determine the role of this variant in disease. Therefore, it has been classified as a Variant of Uncertain Significance.

NM_152281.3(GORAB):c.89C>A (p.Pro30His)

Gene: GORAB (golgin, RAB6 interacting; plus strand). Cytogenetic location: 1q24.2.
Variant type: single nucleotide variant.
Coding change: c.89C>A on transcript NM_152281.3 (MANE Select); coding-DNA position 89, C replaced by A.
Protein change: p.Pro30His; replaces proline 30 with histidine.
Molecular consequence: missense variant. On other transcripts: 5 prime UTR variant (1), non-coding transcript variant (1).
Genome position (GRCh38, 1-based): chr1:170,539,237, C>A. VCF-style: chr1-170539237-C-A. GRCh37 (hg19) VCF-style: chr1-170508378-C-A.
Other names: c.164C>A (NM_152281.2); c.89C>A, p.Pro30His (NM_001146039.2); c.-377C>A (NM_001320252.2); c.38C>A, p.Pro13His (NM_001410894.1); short protein forms P13H, P30H.
Identifiers: ClinVar variation 2186579 (VCV002186579.2), dbSNP rs760452446, ClinGen allele CA1239038.